The following is an entry in ClinVar:

NM_007294.4(BRCA1):c.5394C>A (p.Phe1798Leu)

Gene: BRCA1 (BRCA1 DNA repair associated; minus strand). Cytogenetic location: 17q21.31.
Variant type: single nucleotide variant.
Coding change: c.5394C>A on transcript NM_007294.4 (MANE Select); coding-DNA position 5394, C replaced by A.
Protein change: p.Phe1798Leu; replaces phenylalanine 1798 with leucine.
Molecular consequence: missense variant. On other transcripts: non-coding transcript variant (1), intron variant (1).
Genome position (GRCh38, 1-based): chr17:43,049,133, G>T on the plus strand (C>A on the coding strand, the complement: BRCA1 is on the minus strand). VCF-style: chr17-43049133-G-T. GRCh37 (hg19) VCF-style: chr17-41201150-G-T.
Other names: c.5391C>A, p.Phe1797Leu (NM_001407611.1, NM_001407612.1, NM_001407613.1 and 14 more transcripts); c.5388C>A, p.Phe1796Leu (NM_001407628.1, NM_001407629.1, NM_001407630.1 and 13 more transcripts); c.5337C>A, p.Phe1779Leu (NM_001407648.1); c.5334C>A, p.Phe1778Leu (NM_001407649.1); c.5316C>A, p.Phe1772Leu (NM_001407652.1, NM_001407653.1, NM_001407654.1 and 1 more transcripts); c.5313C>A, p.Phe1771Leu (NM_001407656.1, NM_001407657.1, NM_001407658.1); c.5271C>A, p.Phe1757Leu (NM_001407669.1, NM_001407664.1, NM_001407665.1 and 3 more transcripts); c.5268C>A, p.Phe1756Leu (NM_001407670.1, NM_001407671.1, NM_001407672.1 and 8 more transcripts); and 73 more; short protein forms F1798L, F1819L, F1751L, F694L, F1669L, F1671L, F1687L, F1708L.
Identifiers: ClinVar variation 868046 (VCV000868046.3), dbSNP rs777371808, ClinGen allele CA10590688.

Conditions:
Breast-ovarian cancer, familial, susceptibility to, 1 (BROVCA1). Also called: BRCA1 Hereditary Breast and Ovarian Cancer; OVARIAN CANCER, SUSCEPTIBILITY TO. Identifiers: Orphanet 145, MedGen C2676676, MONDO:0011450, OMIM 604370. Disease mechanism: loss of function.

Submission:

Brotman Baty Institute, University of Washington
No classification provided (evidence only). Condition: Breast-ovarian cancer, familial 1. Review status: no classification provided. Collection method: in vitro. Allele origin: not applicable. Functional consequence: functionally_normal.
ClinVar note: "not provided" was previously submitted as the classification for the variant. However, the classification appeared to be based only on an observation of functional data so it was converted to no classification on 2025-07-30.